The following is an entry in ClinVar:

ClinVar aggregate classification (germline): Likely benign. Review status: criteria provided, multiple submitters, no conflicts (2 of 4 stars). 2 submissions from 2 submitters: Likely benign (2). Last evaluated 2025-12-01.

Submissions (2):

CeGaT Center for Human Genetics Tuebingen
Classification: Likely benign. Last evaluated: 2025-12-01. Review status: criteria provided, single submitter. Criteria: CeGaT Center For Human Genetics Tuebingen Variant Classification Criteria Version 2. Collection method: clinical testing. Allele origin: germline. Affected: yes. Observed: 1 variant allele.
Comment: DMXL2: BP4, BP7

Labcorp Genetics (formerly Invitae), Labcorp
Classification: Likely benign. Last evaluated: 2022-09-21. Review status: criteria provided, single submitter. Criteria: Invitae Variant Classification Sherloc (09022015). Collection method: clinical testing. Allele origin: germline.

NM_001378457.1(DMXL2):c.8865G>A (p.Gln2955=)

Genes: DMXL2 (Dmx like 2; minus strand), LOC126862131 (MED14-independent group 3 enhancer GRCh37_chr15:51741640-51742839; plus strand). Cytogenetic location: 15q21.2.
Variant type: single nucleotide variant.
Coding change: c.8865G>A on transcript NM_001378457.1 (MANE Select); coding-DNA position 8865, G replaced by A.
Protein change: p.Gln2955=; no amino-acid change (glutamine 2955 retained).
Molecular consequence: synonymous variant. On other transcripts: non-coding transcript variant (2).
Genome position (GRCh38, 1-based): chr15:51,450,231, C>T on the plus strand (G>A on the coding strand, the complement: DMXL2 is on the minus strand). VCF-style: chr15-51450231-C-T. GRCh37 (hg19) VCF-style: chr15-51742428-C-T.
Other names: c.8802G>A, p.Gln2934= (NM_001174116.3); c.6891G>A, p.Gln2297= (NM_001174117.3); c.8862G>A, p.Gln2954= (NM_001378458.1); c.8577G>A, p.Gln2859= (NM_001378459.1); c.6780G>A, p.Gln2260= (NM_001378460.1); c.8799G>A, p.Gln2933= (NM_015263.5).
Identifiers: ClinVar variation 1963928 (VCV001963928.10), dbSNP rs1285383162, ClinGen allele CA490596180.